The following is an entry in ClinVar:

ClinVar aggregate classification (germline): Uncertain significance (1 of 4 stars; one submission).

Conditions:
Hereditary hyperekplexia. Identifiers: Orphanet 3197, MedGen C4084968, MONDO:0021022.

Submission:

Labcorp Genetics (formerly Invitae), Labcorp
Classification: Uncertain significance for Hereditary hyperekplexia. Last evaluated: 2025-12-09. Review status: criteria provided, single submitter. Criteria: Invitae Variant Classification Sherloc (09022015). Collection method: clinical testing. Allele origin: germline.
Comment: This sequence change replaces glutamine, which is neutral and polar, with arginine, which is basic and polar, at codon 214 of the GLRA1 protein (p.Gln214Arg). This variant is not present in population databases (gnomAD no frequency). This variant has not been reported in the literature in individuals affected with GLRA1-related conditions. Invitae Evidence Modeling of protein sequence and biophysical properties (such as structural, functional, and spatial information, amino acid conservation, physicochemical variation, residue mobility, and thermodynamic stability) indicates that this missense variant is not expected to disrupt GLRA1 protein function with a negative predictive value of 80%. In summary, the available evidence is currently insufficient to determine the role of this variant in disease. Therefore, it has been classified as a Variant of Uncertain Significance.

NM_000171.4(GLRA1):c.641A>G (p.Gln214Arg)

Gene: GLRA1 (glycine receptor alpha 1; minus strand). Cytogenetic location: 5q33.1.
Variant type: single nucleotide variant.
Coding change: c.641A>G on transcript NM_000171.4 (MANE Select); coding-DNA position 641, A replaced by G.
Protein change: p.Gln214Arg; replaces glutamine 214 with arginine.
Molecular consequence: missense variant.
Genome position (GRCh38, 1-based): chr5:151,855,096, T>C on the plus strand (A>G on the coding strand, the complement: GLRA1 is on the minus strand). VCF-style: chr5-151855096-T-C. GRCh37 (hg19) VCF-style: chr5-151234657-T-C.
Other names: c.641A>G, p.Gln214Arg (NM_001146040.2); c.392A>G, p.Gln131Arg (NM_001292000.2); short protein forms Q131R, Q214R.
Identifiers: ClinVar variation 4759203 (VCV004759203.1).